The following is an entry in ClinVar:

ClinVar aggregate classification (germline): Likely benign. Review status: criteria provided, multiple submitters, no conflicts (2 of 4 stars). 4 submissions from 4 submitters: Likely benign (3). 1 of the submissions does not count toward it. Last evaluated 2026-03-01.

Conditions:
CENPF-related disorder. Also called: CENPF-related condition.

Allele frequency attached by ClinVar (database versions not stated): ExAC 0.00004.
gnomAD v4.1: 17 of 1,613,718 alleles (0.0011%); highest among the groups gnomAD compares: Non-Finnish European, 0.0012%; no homozygotes.

Submissions (4):

CeGaT Center for Human Genetics Tuebingen
Classification: Likely benign. Last evaluated: 2026-03-01. Review status: criteria provided, single submitter. Criteria: CeGaT Center For Human Genetics Tuebingen Variant Classification Criteria Version 2. Collection method: clinical testing. Allele origin: germline. Affected: yes. Observed: 4 variant alleles.
Comment: CENPF: BP4, BP7

Labcorp Genetics (formerly Invitae), Labcorp
Classification: Likely benign. Last evaluated: 2024-09-04. Review status: criteria provided, single submitter. Criteria: Invitae Variant Classification Sherloc (09022015). Collection method: clinical testing. Allele origin: germline.

Blueprint Genetics
Classification: Likely benign. Last evaluated: 2024-05-31. Review status: criteria provided, single submitter. Criteria: ACMG Guidelines, 2015. Collection method: clinical testing. Allele origin: germline.

PreventionGenetics, part of Exact Sciences
Classification: Likely benign for CENPF-related condition. Last evaluated: 2021-02-10. Review status: no assertion criteria provided. Collection method: clinical testing. Allele origin: germline. Not counted in ClinVar's aggregate classification.
Comment: This variant is classified as likely benign based on ACMG/AMP sequence variant interpretation guidelines (Richards et al. 2015 PMID: 25741868, with internal and published modifications).

NM_016343.4(CENPF):c.3789C>T (p.Asp1263=)

Gene: CENPF (centromere protein F; plus strand). Cytogenetic location: 1q41.
Variant type: single nucleotide variant.
Coding change: c.3789C>T on transcript NM_016343.4 (MANE Select); coding-DNA position 3789, C replaced by T.
Protein change: p.Asp1263=; no amino-acid change (aspartic acid 1263 retained).
Molecular consequence: synonymous variant.
Genome position (GRCh38, 1-based): chr1:214,642,127, C>T. VCF-style: chr1-214642127-C-T. GRCh37 (hg19) VCF-style: chr1-214815470-C-T.
Identifiers: ClinVar variation 2639893 (VCV002639893.28), dbSNP rs1553289139, ClinGen allele CA1390466.